The following is an entry in ClinVar:

ClinVar aggregate classification (germline): Likely pathogenic (1 of 4 stars; one submission).

Conditions:
Charcot-Marie-Tooth disease type 4. Also called: Charcot-Marie-Tooth, Type 4; Charcot-Marie-Tooth disease, type IV. Identifiers: Orphanet 64749, MedGen C4082197, MONDO:0018995.

Submission:

Labcorp Genetics (formerly Invitae), Labcorp
Classification: Likely pathogenic for Charcot-Marie-Tooth disease type 4. Last evaluated: 2022-07-06. Review status: criteria provided, single submitter. Criteria: Invitae Variant Classification Sherloc (09022015). Collection method: clinical testing. Allele origin: germline.
Comment: In summary, the currently available evidence indicates that the variant is pathogenic, but additional data are needed to prove that conclusively. Therefore, this variant has been classified as Likely Pathogenic. Algorithms developed to predict the effect of sequence changes on RNA splicing suggest that this variant may disrupt the consensus splice site. ClinVar contains an entry for this variant (Variation ID: 543406). This variant has not been reported in the literature in individuals affected with FIG4-related conditions. This variant is not present in population databases (gnomAD no frequency). This sequence change affects an acceptor splice site in intron 5 of the FIG4 gene. It is expected to disrupt RNA splicing. Variants that disrupt the donor or acceptor splice site typically lead to a loss of protein function (PMID: 16199547), and loss-of-function variants in FIG4 are known to be pathogenic (PMID: 23623387).

Literature cited by the submitters: PubMed 16199547; PubMed 23623387.

NM_014845.6(FIG4):c.498-2A>G

Gene: FIG4 (FIG4 phosphoinositide 5-phosphatase; plus strand). Cytogenetic location: 6q21.
Variant type: single nucleotide variant.
Coding change: c.498-2A>G on transcript NM_014845.6 (MANE Select); the canonical splice acceptor site of the intron before coding-DNA position 498, A replaced by G.
Molecular consequence: splice acceptor variant.
Genome position (GRCh38, 1-based): chr6:109,735,148, A>G. VCF-style: chr6-109735148-A-G. GRCh37 (hg19) VCF-style: chr6-110056351-A-G.
Identifiers: ClinVar variation 543406 (VCV000543406.9), dbSNP rs1554300952, ClinGen allele CA365218988.